The following is an entry in ClinVar:

ClinVar aggregate classification (germline): Uncertain significance. Review status: criteria provided, multiple submitters, no conflicts (2 of 4 stars). 2 submissions from 2 submitters: Uncertain significance (2). Last evaluated 2021-04-05.

Conditions:
Hereditary cancer-predisposing syndrome. Also called: Hereditary neoplastic syndrome; Hereditary Cancer Syndrome; Tumor predisposition; Neoplastic Syndromes, Hereditary. Identifiers: Orphanet 140162, MedGen C0027672, MeSH D009386, MONDO:0015356.
Hereditary pheochromocytoma and paraganglioma. Also called: Hereditary pheochromocytoma-paraganglioma; Hereditary Paraganglioma-Pheochromocytoma Syndromes; Hereditary paragangliomas and pheochromocytomas. Identifiers: Orphanet 29072, MedGen C4274332, MONDO:0017366.

Allele frequency attached by ClinVar (database versions not stated): gnomAD exomes below 0.00001.

Submissions (2):

Ambry Genetics
Classification: Uncertain significance for Hereditary cancer-predisposing syndrome. Last evaluated: 2021-04-05. Review status: criteria provided, single submitter. Criteria: Ambry Variant Classification Scheme 2023. Collection method: clinical testing. Allele origin: germline.
Comment: The p.R47W variant (also known as c.139C>T), located in coding exon 3 of the MAX gene, results from a C to T substitution at nucleotide position 139. The arginine at codon 47 is replaced by tryptophan, an amino acid with dissimilar properties. This amino acid position is highly conserved in available vertebrate species. In addition, this alteration is predicted to be deleterious by in silico analysis. Since supporting evidence is limited at this time, the clinical significance of this alteration remains unclear.

Labcorp Genetics (formerly Invitae), Labcorp
Classification: Uncertain significance for Hereditary pheochromocytoma and paraganglioma. Last evaluated: 2020-09-07. Review status: criteria provided, single submitter. Criteria: Invitae Variant Classification Sherloc (09022015). Collection method: clinical testing. Allele origin: germline.
Comment: In summary, the available evidence is currently insufficient to determine the role of this variant in disease. Therefore, it has been classified as a Variant of Uncertain Significance. Algorithms developed to predict the effect of missense changes on protein structure and function (SIFT, PolyPhen-2, Align-GVGD) all suggest that this variant is likely to be disruptive, but these predictions have not been confirmed by published functional studies and their clinical significance is uncertain. This variant has not been reported in the literature in individuals with MAX-related conditions. This variant is not present in population databases (ExAC no frequency). This sequence change replaces arginine with tryptophan at codon 47 of the MAX protein (p.Arg47Trp). The arginine residue is highly conserved and there is a moderate physicochemical difference between arginine and tryptophan.

NM_002382.5(MAX):c.139C>T (p.Arg47Trp)

Genes: MAX (MYC associated transcriptional regulator X; minus strand), MAX-AS1 (MAX antisense RNA 1; plus strand). Cytogenetic location: 14q23.3.
Variant type: single nucleotide variant.
Coding change: c.139C>T on transcript NM_002382.5 (MANE Select); coding-DNA position 139, C replaced by T.
Protein change: p.Arg47Trp; replaces arginine 47 with tryptophan.
Molecular consequence: missense variant. On other transcripts: non-coding transcript variant (1), 5 prime UTR variant (1), synonymous variant (1).
Genome position (GRCh38, 1-based): chr14:65,093,740, G>A on the plus strand (C>T on the coding strand, the complement: MAX is on the minus strand). VCF-style: chr14-65093740-G-A. GRCh37 (hg19) VCF-style: chr14-65560458-G-A.
Other names: c.112C>T, p.Arg38Trp (NM_001271068.2, NM_001271069.2, NM_001407095.1 and 9 more transcripts); c.-136C>T (NM_001320415.2, NM_001407105.1, NM_001407106.1 and 1 more transcripts); c.139C>T, p.Arg47Trp (NM_001407094.1, NM_001407096.1, NM_001407097.1 and 5 more transcripts); c.162C>T, p.Cys54= (NM_001407114.1); c.-229C>T (NM_001407111.1, NM_001407112.1); short protein forms R38W, R47W.
Identifiers: ClinVar variation 1008658 (VCV001008658.12), dbSNP rs866762160, ClinGen allele CA262725608.